The following is an entry in ClinVar:

ClinVar aggregate classification (germline): Uncertain significance (1 of 4 stars; one submission).

Conditions:
Familial sleep-related hypermotor epilepsy. Also called: Autosomal Dominant Sleep-Related Hypermotor (Hyperkinetic) Epilepsy. Identifiers: Orphanet 98784, MedGen C3696898, MONDO:0000030.

Allele frequency attached by ClinVar (database versions not stated): gnomAD exomes below 0.00001.
gnomAD v4.1: 4 of 1,613,968 alleles (0.00025%); highest among the groups gnomAD compares: Non-Finnish European, 0.00025%; no homozygotes.

Submission:

Labcorp Genetics (formerly Invitae), Labcorp
Classification: Uncertain significance. Last evaluated: 2022-10-25. Review status: criteria provided, single submitter. Criteria: Invitae Variant Classification Sherloc (09022015). Collection method: clinical testing. Allele origin: germline.
Comment: This sequence change replaces tryptophan, which is neutral and slightly polar, with arginine, which is basic and polar, at codon 365 of the CHRNA2 protein (p.Trp365Arg). This variant is present in population databases (no rsID available, gnomAD 0.005%). This variant has not been reported in the literature in individuals affected with CHRNA2-related conditions. This missense change has been observed in at least one individual who was not affected with CHRNA2-related conditions (Invitae). Advanced modeling of protein sequence and biophysical properties (such as structural, functional, and spatial information, amino acid conservation, physicochemical variation, residue mobility, and thermodynamic stability) performed at Invitae indicates that this missense variant is expected to disrupt CHRNA2 protein function. In summary, the available evidence is currently insufficient to determine the role of this variant in disease. Therefore, it has been classified as a Variant of Uncertain Significance.

NM_000742.4(CHRNA2):c.1093T>C (p.Trp365Arg)

Gene: CHRNA2 (cholinergic receptor nicotinic alpha 2 subunit; minus strand). Cytogenetic location: 8p21.2.
Variant type: single nucleotide variant.
Coding change: c.1093T>C on transcript NM_000742.4 (MANE Select); coding-DNA position 1093, T replaced by C.
Protein change: p.Trp365Arg; replaces tryptophan 365 with arginine.
Molecular consequence: missense variant.
Genome position (GRCh38, 1-based): chr8:27,463,350, A>G on the plus strand (T>C on the coding strand, the complement: CHRNA2 is on the minus strand). VCF-style: chr8-27463350-A-G. GRCh37 (hg19) VCF-style: chr8-27320867-A-G.
Other names: c.1048T>C, p.Trp350Arg (NM_001282455.2); c.616T>C, p.Trp206Arg (NM_001347705.2, NM_001347706.2); c.499T>C, p.Trp167Arg (NM_001347707.2, NM_001347708.2); short protein forms W365R, W167R, W206R, W350R.
Identifiers: ClinVar variation 2134436 (VCV002134436.4), dbSNP rs1480856577, ClinGen allele CA370809508.